The following is an entry in ClinVar:

ClinVar aggregate classification (germline): Conflicting classifications of pathogenicity. Review status: criteria provided, conflicting classifications (1 of 4 stars). 2 submissions from 2 submitters: Uncertain significance (1); Likely benign (1). Last evaluated 2025-08-04.

Allele frequency attached by ClinVar (database versions not stated): gnomAD exomes 0.00043; ExAC 0.00090; gnomAD 0.00133; 1000 Genomes Project 0.00160; 1000 Genomes Project 30x 0.00187.
gnomAD v4.1: 829 of 1,602,446 alleles (0.052%); highest among the groups gnomAD compares: African/African-American, 0.25%; 13 homozygotes.

Submissions (2):

Ambry Genetics
Classification: Uncertain significance. Last evaluated: 2025-08-04. Review status: criteria provided, single submitter. Criteria: Ambry Variant Classification Scheme 2023. Collection method: clinical testing. Allele origin: germline.

CeGaT Center for Human Genetics Tuebingen
Classification: Likely benign. Last evaluated: 2022-11-01. Review status: criteria provided, single submitter. Criteria: CeGaT Center For Human Genetics Tuebingen Variant Classification Criteria Version 2. Collection method: clinical testing. Allele origin: germline. Affected: yes. Observed: 2 variant alleles.
Comment: AHNAK2: BP4, BS2

NM_138420.4(AHNAK2):c.3598C>T (p.Pro1200Ser)

Gene: AHNAK2 (AHNAK nucleoprotein 2; minus strand). Cytogenetic location: 14q32.33.
Variant type: single nucleotide variant.
Coding change: c.3598C>T on transcript NM_138420.4 (MANE Select); coding-DNA position 3598, C replaced by T.
Protein change: p.Pro1200Ser; replaces proline 1200 with serine.
Molecular consequence: missense variant.
Genome position (GRCh38, 1-based): chr14:104,951,853, G>A on the plus strand (C>T on the coding strand, the complement: AHNAK2 is on the minus strand). VCF-style: chr14-104951853-G-A. GRCh37 (hg19) VCF-style: chr14-105418190-G-A.
Other names: c.3298C>T, p.Pro1100Ser (NM_001350929.2); c.3598C>T (NM_138420.2); short protein forms P1100S, P1200S.
Identifiers: ClinVar variation 2644844 (VCV002644844.25), dbSNP rs200524362, ClinGen allele CA7382899.
Genomic context (GRCh38, chr14:104,951,853, plus strand): 5'-GGTCAGCGGAAGGGGGCTGAATGCTGAGGTCAGTGGTCTTGAGGTCCCCCTGCATGGAGG[G>A]GAGACTCACGTCGGCCTCCACTTTGGGTGCAGACACATCCACCGAGGCCTCGATGGACTT-3'
Protein context (NP_612429.2, residues 1190-1210): APKVEADVSL[Pro1200Ser]SMQGDLKTTD